The following is an entry in ClinVar:

ClinVar aggregate classification (germline): Uncertain significance (1 of 4 stars; one submission).

Allele frequency attached by ClinVar (database versions not stated): ExAC 0.00002; TOPMed 0.00002; ESP Exome Variant Server 0.00015.
gnomAD v4.1: 10 of 1,614,056 alleles (0.00062%); highest among the groups gnomAD compares: Non-Finnish European, 0.00085%; no homozygotes.

Submission:

Labcorp Genetics (formerly Invitae), Labcorp
Classification: Uncertain significance. Last evaluated: 2020-02-22. Review status: criteria provided, single submitter. Criteria: Invitae Variant Classification Sherloc (09022015). Collection method: clinical testing. Allele origin: germline.
Comment: This sequence change replaces valine with phenylalanine at codon 615 of the ABCA4 protein (p.Val615Phe). The valine residue is moderately conserved and there is a small physicochemical difference between valine and phenylalanine. This variant is present in population databases (rs374931400, ExAC 0.003%). This variant has not been reported in the literature in individuals with ABCA4-related conditions. Algorithms developed to predict the effect of missense changes on protein structure and function are either unavailable or do not agree on the potential impact of this missense change (SIFT: "Deleterious"; PolyPhen-2: "Possibly Damaging"; Align-GVGD: "Class C0"). In summary, the available evidence is currently insufficient to determine the role of this variant in disease. Therefore, it has been classified as a Variant of Uncertain Significance.

NM_000350.3(ABCA4):c.1843G>T (p.Val615Phe)

Gene: ABCA4 (ATP binding cassette subfamily A member 4; minus strand). Cytogenetic location: 1p22.1.
Variant type: single nucleotide variant.
Coding change: c.1843G>T on transcript NM_000350.3 (MANE Select); coding-DNA position 1843, G replaced by T.
Protein change: p.Val615Phe; replaces valine 615 with phenylalanine.
Molecular consequence: missense variant.
Genome position (GRCh38, 1-based): chr1:94,062,671, C>A on the plus strand (G>T on the coding strand, the complement: ABCA4 is on the minus strand). VCF-style: chr1-94062671-C-A. GRCh37 (hg19) VCF-style: chr1-94528227-C-A.
Other names: c.1843G>T, p.Val615Phe (NM_001425324.1); short protein forms V615F.
Identifiers: ClinVar variation 1006009 (VCV001006009.9), dbSNP rs374931400, ClinGen allele CA958411.